The following is an entry in ClinVar:

ClinVar aggregate classification (germline): Uncertain significance (1 of 4 stars; one submission).

Submission:

GeneDx
Classification: Uncertain significance. Last evaluated: 2022-01-21. Review status: criteria provided, single submitter. Criteria: GeneDx Variant Classification Process June 2021. Collection method: clinical testing. Allele origin: germline. Affected: yes.
Comment: Not observed at significant frequency in large population cohorts (gnomAD); In silico analysis supports that this missense variant does not alter protein structure/function; Has not been previously published as pathogenic or benign to our knowledge

NM_017934.7(PHIP):c.211G>C (p.Ala71Pro)

Gene: PHIP (pleckstrin homology domain interacting protein; minus strand). Cytogenetic location: 6q14.1.
Variant type: single nucleotide variant.
Coding change: c.211G>C on transcript NM_017934.7 (MANE Select); coding-DNA position 211, G replaced by C.
Protein change: p.Ala71Pro; replaces alanine 71 with proline.
Molecular consequence: missense variant.
Genome position (GRCh38, 1-based): chr6:79,060,797, C>G on the plus strand (G>C on the coding strand, the complement: PHIP is on the minus strand). VCF-style: chr6-79060797-C-G. GRCh37 (hg19) VCF-style: chr6-79770514-C-G.
Other names: short protein forms A71P.
Identifiers: ClinVar variation 1698125 (VCV001698125.2), dbSNP rs2127772545, ClinGen allele CA364651458.